The following is an entry in ClinVar:

NM_004863.4(SPTLC2):c.*3034C>G

Gene: SPTLC2 (serine palmitoyltransferase long chain base subunit 2; minus strand). Cytogenetic location: 14q24.3.
Variant type: single nucleotide variant.
Coding change: c.*3034C>G on transcript NM_004863.4 (MANE Select); 3034 bases downstream of the stop codon, C replaced by G.
Molecular consequence: 3 prime UTR variant.
Genome position (GRCh38, 1-based): chr14:77,509,250, G>C on the plus strand (C>G on the coding strand, the complement: SPTLC2 is on the minus strand). VCF-style: chr14-77509250-G-C. GRCh37 (hg19) VCF-style: chr14-77975593-G-C.
Identifiers: ClinVar variation 314613 (VCV000314613.5), dbSNP rs75977251, ClinGen allele CA10635418.

ClinVar aggregate classification (germline): Benign (1 of 4 stars; one submission).

Conditions:
Neuropathy, hereditary sensory and autonomic, type 1C. Also called: HSAN IC; HSN IC. Identifiers: Orphanet 36386, MedGen C3150896, MONDO:0013337, OMIM 613640.

Allele frequency attached by ClinVar (database versions not stated): gnomAD 0.00864 and 0.00919; 1000 Genomes Project 0.00879; TOPMed 0.00994; 1000 Genomes Project 30x 0.01031.

Submission:

Illumina Laboratory Services, Illumina
Classification: Benign for Neuropathy, hereditary sensory and autonomic, type 1C. Last evaluated: 2018-01-13. Review status: criteria provided, single submitter. Criteria: ICSL Variant Classification Criteria 13 December 2019. Collection method: clinical testing. Allele origin: germline.
Comment: This variant was observed in the ICSL laboratory as part of a predisposition screen in an ostensibly healthy population. It had not been previously curated by ICSL or reported in the Human Gene Mutation Database (HGMD: prior to June 1st, 2018), and was therefore a candidate for classification through an automated scoring system. Utilizing variant allele frequency, disease prevalence and penetrance estimates, and inheritance mode, an automated score was calculated to assess if this variant is too frequent to cause the disease. Based on the score and internal cut-off values, a variant classified as benign is not then subjected to further curation. The score for this variant resulted in a classification of benign for this disease.